The following is an entry in ClinVar:

ClinVar aggregate classification (germline): Conflicting classifications of pathogenicity. Review status: criteria provided, conflicting classifications (1 of 4 stars). 7 submissions from 7 submitters: Uncertain significance (1); Likely benign (6). Last evaluated 2026-01-18.

Conditions:
Hereditary cancer-predisposing syndrome. Also called: Tumor predisposition; Hereditary Cancer Syndrome; Hereditary neoplastic syndrome; Neoplastic Syndromes, Hereditary. Identifiers: Orphanet 140162, MedGen C0027672, MeSH D009386, MONDO:0015356.
Hereditary breast ovarian cancer syndrome. Also called: Breast and ovarian cancer; Hereditary breast and/or ovarian cancer syndrome; BRCA1- and BRCA2-Associated Hereditary Breast and Ovarian Cancer; Hereditary breast and ovarian cancer syndrome; Hereditary breast and ovarian cancer syndrome (HBOC); Hereditary breast and ovarian cancer. Identifiers: Orphanet 145, MedGen C0677776, MeSH D061325, MONDO:0003582. Disease mechanism: loss of function.
Breast-ovarian cancer, familial, susceptibility to, 1 (BROVCA1). Also called: BRCA1 Hereditary Breast and Ovarian Cancer; OVARIAN CANCER, SUSCEPTIBILITY TO. Identifiers: Orphanet 145, MedGen C2676676, MONDO:0011450, OMIM 604370. Disease mechanism: loss of function.

Allele frequency attached by ClinVar (database versions not stated): gnomAD 0.00001; TOPMed 0.00002.
gnomAD v4.1: 1 of 1,613,700 alleles (0.000062%); highest among the groups gnomAD compares: Admixed American, 0.0017%; no homozygotes.

Submissions (7):

Labcorp Genetics (formerly Invitae), Labcorp
Classification: Likely benign for Hereditary breast ovarian cancer syndrome. Last evaluated: 2026-01-18. Review status: criteria provided, single submitter. Criteria: Invitae Variant Classification Sherloc (09022015). Collection method: clinical testing. Allele origin: germline.

Women's Health and Genetics/Laboratory Corporation of America, LabCorp
Classification: Likely benign. Last evaluated: 2024-12-06. Review status: criteria provided, single submitter. Criteria: LabCorp Variant Classification Summary - May 2015. Collection method: clinical testing. Allele origin: germline.

Quest Diagnostics Nichols Institute San Juan Capistrano
Classification: Likely benign. Last evaluated: 2024-08-23. Review status: criteria provided, single submitter. Criteria: Quest Diagnostics criteria. Collection method: clinical testing. Allele origin: unknown.

Sema4
Classification: Uncertain significance for Hereditary cancer-predisposing syndrome. Last evaluated: 2021-08-16. Review status: criteria provided, single submitter. Criteria: Sema4 Curation Guidelines. Collection method: curation. Allele origin: germline.
Comment: The BRCA1 c.4344C>T (p.S1448=) variant has been reported in heterozygosity in at least one individual with breast cancer (PMID: 33606809). It was not observed in the large and broad cohorts of the Genome Aggregation Database. The variant has been reported in ClinVar (Variation ID 479268). The nucleotide is moderately conserved and splice site prediction tools suggest the variant may create a cryptic splice donor site, however, these predictions have not been confirmed by transcriptional studies. The evidence is insufficient to meet ACMG/AMP criteria for classifying the variant as benign or pathogenic. Thus, the clinical significance of this variant is currently uncertain.

Mendelics
Classification: Likely benign for Breast-ovarian cancer, familial, susceptibility to, 1. Last evaluated: 2019-05-28. Review status: criteria provided, single submitter. Criteria: Mendelics Assertion Criteria 2017. Collection method: clinical testing. Allele origin: unknown.

Ambry Genetics
Classification: Likely benign for Hereditary cancer-predisposing syndrome. Last evaluated: 2017-07-10. Review status: criteria provided, single submitter. Criteria: Ambry Variant Classification Scheme 2023. Collection method: clinical testing. Allele origin: germline.

Color Diagnostics, LLC DBA Color Health
Classification: Likely benign for Hereditary cancer-predisposing syndrome. Last evaluated: 2016-12-12. Review status: criteria provided, single submitter. Criteria: ACMG Guidelines, 2015. Collection method: clinical testing. Allele origin: germline.

Literature cited by the submitters: PubMed 33606809 (cited by Quest Diagnostics Nichols Institute San Juan Capistrano and Sema4).

NM_007294.4(BRCA1):c.4344C>T (p.Ser1448=)

Gene: BRCA1 (BRCA1 DNA repair associated; minus strand). Cytogenetic location: 17q21.31.
Variant type: single nucleotide variant.
Coding change: c.4344C>T on transcript NM_007294.4 (MANE Select); coding-DNA position 4344, C replaced by T.
Protein change: p.Ser1448=; no amino-acid change (serine 1448 retained).
Molecular consequence: synonymous variant.
Genome position (GRCh38, 1-based): chr17:43,082,417, G>A on the plus strand (C>T on the coding strand, the complement: BRCA1 is on the minus strand). VCF-style: chr17-43082417-G-A. GRCh37 (hg19) VCF-style: chr17-41234434-G-A.
Other names: c.4203C>T, p.Ser1401= (NM_001407725.1, NM_001407726.1, NM_001407727.1 and 23 more transcripts); c.4200C>T, p.Ser1400= (NM_001407740.1, NM_001407741.1, NM_001407742.1 and 23 more transcripts); c.4197C>T, p.Ser1399= (NM_001407847.1, NM_001407848.1, NM_001407849.1); c.4131C>T, p.Ser1377= (NM_001407853.1, NM_001407894.1, NM_001407895.1 and 12 more transcripts); c.4344C>T, p.Ser1448= (NM_001407854.1, NM_001407858.1, NM_001407859.1 and 23 more transcripts); c.4341C>T, p.Ser1447= (NM_001407860.1, NM_001407861.1, NM_001407587.1 and 21 more transcripts); c.4143C>T, p.Ser1381= (NM_001407862.1); c.4221C>T, p.Ser1407= (NM_001407863.1, NM_001407919.1, NM_001407937.1 and 13 more transcripts); and 51 more.
Identifiers: ClinVar variation 479268 (VCV000479268.23), dbSNP rs1250691798, ClinGen allele CA500148350.